The following is an entry in ClinVar:

ClinVar aggregate classification (germline): Likely benign (1 of 4 stars; one submission).

Allele frequency attached by ClinVar (database versions not stated): ESP Exome Variant Server 0.00054; ExAC 0.00083; TOPMed 0.00088.
gnomAD v4.1: 2,009 of 1,613,920 alleles (0.12%); highest among the groups gnomAD compares: Non-Finnish European, 0.16%; 3 homozygotes.

Submission:

CeGaT Center for Human Genetics Tuebingen
Classification: Likely benign. Last evaluated: 2022-03-01. Review status: criteria provided, single submitter. Criteria: CeGaT Center For Human Genetics Tuebingen Variant Classification Criteria Version 2. Collection method: clinical testing. Allele origin: germline. Affected: yes. Observed: 1 variant allele.
Comment: STYXL2: BP4, BP7

NM_001080426.3(STYXL2):c.1681T>C (p.Leu561=)

Gene: STYXL2 (serine/threonine/tyrosine interacting like 2; plus strand). Cytogenetic location: 1q24.1.
Variant type: single nucleotide variant.
Coding change: c.1681T>C on transcript NM_001080426.3 (MANE Select); coding-DNA position 1681, T replaced by C.
Protein change: p.Leu561=; no amino-acid change (leucine 561 retained).
Molecular consequence: synonymous variant.
Genome position (GRCh38, 1-based): chr1:167,126,812, T>C. VCF-style: chr1-167126812-T-C. GRCh37 (hg19) VCF-style: chr1-167096049-T-C.
Identifiers: ClinVar variation 2639528 (VCV002639528.24), dbSNP rs147322156, ClinGen allele CA1224787.